The following is an entry in ClinVar:

GRCh37/hg19 1q21.1-21.2(chr1:145769108-147929323)x1

Genes: ACP6 (acid phosphatase 6, lysophosphatidic; minus strand), BCL9 (BCL9 transcription coactivator; plus strand), CHD1L (chromodomain helicase DNA binding protein 1 like; plus strand), FMO5 (flavin containing dimethylaniline monoxygenase 5; minus strand), GJA5 (gap junction protein alpha 5; minus strand) and 6 more. Cytogenetic location: 1q21.1-21.2.
Variant type: copy number loss.
Change: copy number 1 (one copy instead of two) of chr1:145,769,108-147,929,323 (2.16 Mb, GRCh37 coordinates, 1-based), cytogenetic band 1q21.1-21.2.
Identifiers: ClinVar variation 565160 (VCV000565160.4).

ClinVar aggregate classification (germline): Pathogenic (0 of 4 stars; one submission).

Submission:

Quest Diagnostics Nichols Institute San Juan Capistrano
Classification: Pathogenic. Last evaluated: 2021-04-01. Review status: no assertion criteria provided. Collection method: clinical testing. Allele origin: germline.
Comment: The 1q21.1q21.2 deletion interval is consistent with the recurrent 1.35-Mb 1q21.1 microdeletion syndrome (autosomal dominant) (OMIM #612474). De novo and inherited deletions of this locus have been associated with a broad range of features, including dysmorphic features, developmental delays, intellectual disability, autistic features, skeletal malformations including polydactyly, cardiac malformations and genitourinary abnormalities. Incomplete penetrance and variable expressivity are also features of 1q21.1 recurrent microdeletions (Haldeman-Englert et al., GeneReviews [Internet]. Available from an online resource; Digilio MC et al., Eur J Med Genet. 2013 Mar;56(3):144-9. PMID: 23270675; Bernier et al. Genet Med. 2016;18:341-349. PMID: 26066539; Mefford HC et al., N Engl J Med 2008; 359:1685-99, PMID: 18784092; Brunetti-Pierri N et al., Nat Genet. 2008;40:1466-71, PMID: 19029900).